The following is an entry in ClinVar:

ClinVar aggregate classification (germline): Likely pathogenic (1 of 4 stars; one submission).

Conditions:
Combined immunodeficiency due to LRBA deficiency. Also called: Common variable immunodeficiency 8, with autoimmunity. Identifiers: Orphanet 445018, MedGen C3553512, MONDO:0013863, OMIM 614700.

Submission:

3billion
Classification: Likely pathogenic for Combined immunodeficiency due to LRBA deficiency. Review status: criteria provided, single submitter. Criteria: ACMG Guidelines, 2015. Collection method: clinical testing. Allele origin: unknown. Affected: yes. Observed: 1 heterozygote.
Comment: The variant is not observed in the gnomAD v2.1.1 dataset. The variant is predicted to alter splicing and result in a loss or disruption of normal protein function. Multiple pathogenic loss-of-function variants are reported downstream of the variant. Therefore, this variant is classified as Likely pathogenic according to the recommendation of ACMG/AMP guideline.

NM_001364905.1(LRBA):c.5645+1G>C

Gene: LRBA (LPS responsive beige-like anchor protein; minus strand). Cytogenetic location: 4q31.3.
Variant type: single nucleotide variant.
Coding change: c.5645+1G>C on transcript NM_001364905.1 (MANE Select); the canonical splice donor site of the intron after coding-DNA position 5645, G replaced by C.
Molecular consequence: splice donor variant.
Genome position (GRCh38, 1-based): chr4:150,761,782, C>G on the plus strand (G>C on the coding strand, the complement: LRBA is on the minus strand). VCF-style: chr4-150761782-C-G. GRCh37 (hg19) VCF-style: chr4-151682934-C-G.
Other names: c.5645+1G>C (NM_001367550.1, NM_006726.5, NM_001199282.3 and 2 more transcripts).
Identifiers: ClinVar variation 2572564 (VCV002572564.1), dbSNP rs2547368576, ClinGen allele CA358607853.